The following is an entry in ClinVar:

ClinVar aggregate classification (germline): Uncertain significance. Review status: criteria provided, single submitter (1 of 4 stars). 2 submissions from 2 submitters: Uncertain significance (1). 1 of the submissions does not count toward it. Last evaluated 2024-03-23.

Conditions:
Long telomere syndrome.

Submissions (2):

GeneDx
Classification: Uncertain significance. Last evaluated: 2024-03-23. Review status: criteria provided, single submitter. Criteria: GeneDx Variant Classification Process June 2021. Collection method: clinical testing. Allele origin: germline. Affected: yes.
Comment: Frameshift variant predicted to result in protein truncation or nonsense mediated decay in a gene for which loss-of-function is not an established mechanism of disease; Has not been previously published as pathogenic or benign to our knowledge; Not observed at significant frequency in large population cohorts (gnomAD)

The Telomere Center at Johns Hopkins, Johns Hopkins University School of Medicine
Classification: Pathogenic for Long telomere syndrome. Last evaluated: 2023-04-01. Review status: no assertion criteria provided. Collection method: research. Allele origin: germline. Affected: yes. Not counted in ClinVar's aggregate classification.

Literature cited by the submitters: PubMed 38688277 (cited by The Telomere Center at Johns Hopkins, Johns Hopkins University School of Medicine).

NM_001099274.3(TINF2):c.248_249del (p.Leu83fs)

Gene: TINF2 (TERF1 interacting nuclear factor 2; minus strand). Cytogenetic location: 14q12.
Variant type: Deletion.
Coding change: c.248_249del on transcript NM_001099274.3 (MANE Select); coding-DNA positions 248 to 249, 2 bases deleted (TG; older notation c.248_249delTG).
Protein change: p.Leu83fs; shifts the reading frame from leucine 83.
Molecular consequence: frameshift variant. On other transcripts: intron variant (1).
Genome position (GRCh38, 1-based): chr14:24,241,938-24,241,939, CA deleted on the plus strand (TG on the coding strand, the reverse complement: TINF2 is on the minus strand). VCF-style (leftmost placement, unchanged base first): chr14-24241937-TCA-T. GRCh37 (hg19) VCF-style: chr14-24711143-TCA-T.
Other names: c.248_249del, p.Leu83fs (NM_012461.3); c.193-163_193-162del (NM_001363668.2); c.248_249del (NM_001099274.1); short protein forms L83fs.
Identifiers: ClinVar variation 3238739 (VCV003238739.2), dbSNP rs2502465524.